The following is an entry in ClinVar:

NM_019066.5(MAGEL2):c.2260G>C (p.Ala754Pro)

Gene: MAGEL2 (MAGE family member L2; minus strand). Cytogenetic location: 15q11.2.
Variant type: single nucleotide variant.
Coding change: c.2260G>C on transcript NM_019066.5 (MANE Select); coding-DNA position 2260, G replaced by C.
Protein change: p.Ala754Pro; replaces alanine 754 with proline.
Molecular consequence: missense variant.
Genome position (GRCh38, 1-based): chr15:23,645,483, C>G on the plus strand (G>C on the coding strand, the complement: MAGEL2 is on the minus strand). VCF-style: chr15-23645483-C-G. GRCh37 (hg19) VCF-style: chr15-23890630-C-G.
Other names: short protein forms A754P.
Identifiers: ClinVar variation 4991570 (VCV004991570.1).

ClinVar aggregate classification (germline): Uncertain significance (1 of 4 stars; one submission).

Conditions:
MAGEL2-related disorder. Also called: MAGEL2-related condition.

Submission:

PreventionGenetics, part of Exact Sciences
Classification: Uncertain significance for MAGEL2-related condition. Last evaluated: 2026-05-21. Review status: criteria provided, single submitter. Criteria: ACMG Guidelines, 2015. Collection method: clinical testing. Allele origin: germline.
Comment: The MAGEL2 c.2260G>C variant is predicted to result in the amino acid substitution p.Ala754Pro. To our knowledge, this variant has not been reported in the literature or in a large population database (gnomAD), indicating this variant is rare. At this time, the clinical significance of this variant is uncertain due to the absence of conclusive functional and genetic evidence.